The following is an entry in ClinVar:

NM_014236.4(GNPAT):c.705T>C (p.Tyr235=)

Gene: GNPAT (glyceronephosphate O-acyltransferase; plus strand). Cytogenetic location: 1q42.2.
Variant type: single nucleotide variant.
Coding change: c.705T>C on transcript NM_014236.4 (MANE Select); coding-DNA position 705, T replaced by C.
Protein change: p.Tyr235=; no amino-acid change (tyrosine 235 retained).
Molecular consequence: synonymous variant.
Genome position (GRCh38, 1-based): chr1:231,265,720, T>C. VCF-style: chr1-231265720-T-C. GRCh37 (hg19) VCF-style: chr1-231401466-T-C.
Other names: c.522T>C, p.Tyr174= (NM_001316350.2).
Identifiers: ClinVar variation 3257091 (VCV003257091.18).

ClinVar aggregate classification (germline): Likely benign. Review status: criteria provided, multiple submitters, no conflicts (2 of 4 stars). 2 submissions from 2 submitters: Likely benign (2). Last evaluated 2025-09-22.

gnomAD v4.1: 20 of 1,587,422 alleles (0.0013%); highest among the groups gnomAD compares: South Asian, 0.021%; no homozygotes.

Submissions (2):

Labcorp Genetics (formerly Invitae), Labcorp
Classification: Likely benign. Last evaluated: 2025-09-22. Review status: criteria provided, single submitter. Criteria: Invitae Variant Classification Sherloc (09022015). Collection method: clinical testing. Allele origin: germline.

CeGaT Center for Human Genetics Tuebingen
Classification: Likely benign. Last evaluated: 2024-07-01. Review status: criteria provided, single submitter. Criteria: CeGaT Center For Human Genetics Tuebingen Variant Classification Criteria Version 2. Collection method: clinical testing. Allele origin: germline. Affected: yes. Observed: 1 variant allele.
Comment: GNPAT: BP4, BP7